The following is an entry in ClinVar:

NC_000006.11:g.(?_66042207)_(66063520_?)del

Gene: EYS (eyes shut homolog; minus strand). Cytogenetic location: 6q12.
Variant type: Deletion.
Identifiers: ClinVar variation 1459853 (VCV001459853.5).

ClinVar aggregate classification (germline): Pathogenic (1 of 4 stars; one submission).

Submission:

Labcorp Genetics (formerly Invitae), Labcorp
Classification: Pathogenic. Last evaluated: 2021-08-12. Review status: criteria provided, single submitter. Criteria: Invitae Variant Classification Sherloc (09022015). Collection method: clinical testing. Allele origin: germline.
Comment: This variant is a gross deletion of the genomic region encompassing exon(s) 9-11 of the EYS gene. This deletion is out-of-frame, and is expected to create a premature termination codon and result in an absent or disrupted protein product. Loss-of-function variants in EYS are known to be pathogenic (PMID: 18836446, 20333770). This variant has not been reported in the literature in individuals affected with EYS-related conditions. For these reasons, this variant has been classified as Pathogenic.

Literature cited by the submitters: PubMed 18836446; PubMed 20333770.